The following is an entry in ClinVar:

NM_004104.5(FASN):c.4429C>T (p.Leu1477Phe)

Gene: FASN (fatty acid synthase; minus strand). Cytogenetic location: 17q25.3.
Variant type: single nucleotide variant.
Coding change: c.4429C>T on transcript NM_004104.5 (MANE Select); coding-DNA position 4429, C replaced by T.
Protein change: p.Leu1477Phe; replaces leucine 1477 with phenylalanine.
Molecular consequence: missense variant.
Genome position (GRCh38, 1-based): chr17:82,084,934, G>A on the plus strand (C>T on the coding strand, the complement: FASN is on the minus strand). VCF-style: chr17-82084934-G-A. GRCh37 (hg19) VCF-style: chr17-80042810-G-A.
Other names: short protein forms L1477F.
Identifiers: ClinVar variation 568934 (VCV000568934.7), dbSNP rs539227516, ClinGen allele CA8852047.

ClinVar aggregate classification (germline): Uncertain significance (1 of 4 stars; one submission).

Conditions:
Epileptic encephalopathy. Identifiers: MedGen C0543888, HP:0200134.

Allele frequency attached by ClinVar (database versions not stated): gnomAD exomes 0.00001 and 0.00004; gnomAD 0.00009 and 0.00012; ExAC 0.00010; TOPMed 0.00021; 1000 Genomes Project 0.00100; 1000 Genomes Project 30x 0.00125.
gnomAD v4.1: 38 of 1,555,690 alleles (0.0024%); highest among the groups gnomAD compares: Admixed American, 0.045%; no homozygotes.

Submission:

Labcorp Genetics (formerly Invitae), Labcorp
Classification: Uncertain significance for Epileptic encephalopathy. Last evaluated: 2025-10-22. Review status: criteria provided, single submitter. Criteria: Invitae Variant Classification Sherloc (09022015). Collection method: clinical testing. Allele origin: germline.
Comment: This sequence change replaces leucine, which is neutral and non-polar, with phenylalanine, which is neutral and non-polar, at codon 1477 of the FASN protein (p.Leu1477Phe). This variant is present in population databases (rs539227516, gnomAD 0.02%). This variant has not been reported in the literature in individuals affected with FASN-related conditions. ClinVar contains an entry for this variant (Variation ID: 568934). An algorithm developed to predict the effect of missense changes on protein structure and function (PolyPhen-2) suggests that this variant is likely to be disruptive. In summary, the available evidence is currently insufficient to determine the role of this variant in disease. Therefore, it has been classified as a Variant of Uncertain Significance.